The following is an entry in ClinVar:

ClinVar aggregate classification (germline): Uncertain significance (1 of 4 stars; one submission).

Conditions:
Familial thoracic aortic aneurysm and aortic dissection (TAAD). Also called: Thoracic aortic aneurysms and dissections. Identifiers: Orphanet 91387, MedGen C4707243, MONDO:0019625.

Submission:

Color Diagnostics, LLC DBA Color Health
Classification: Uncertain significance for Familial thoracic aortic aneurysm and aortic dissection. Last evaluated: 2021-09-14. Review status: criteria provided, single submitter. Criteria: ACMG Guidelines, 2015. Collection method: clinical testing. Allele origin: germline.
Comment: This variant causes a duplication of ten nucleotides in intron 44 of the COL3A1 gene. To our knowledge, functional studies have not been reported for this variant. This variant has not been reported in individuals affected with cardiovascular disorders in the literature. This variant has not been identified in the general population by the Genome Aggregation Database (gnomAD). The available evidence is insufficient to determine the role of this variant in disease conclusively. Therefore, this variant is classified as a Variant of Uncertain Significance.

NM_000090.4(COL3A1):c.3255+11_3255+20dup

Gene: COL3A1 (collagen type III alpha 1 chain; plus strand). Cytogenetic location: 2q32.2.
Variant type: Duplication.
Coding change: c.3255+11_3255+20dup on transcript NM_000090.4 (MANE Select); bases 11 to 20 of the intron after coding-DNA position 3255, 10 bases duplicated (TCATTTTTTG; older notation c.3255+11_3255+20dupTCATTTTTTG).
Molecular consequence: intron variant.
Genome position (GRCh38, 1-based): chr2:189,007,001-189,007,010, TCATTTTTTG duplicated; duplicating any 10 consecutive bases within chr2:189,006,996-189,007,010 gives the same sequence; the c. name uses the placement nearest the transcript's 3' end. VCF-style (leftmost placement, unchanged base first): chr2-189006995-G-GTTTTGTCATT. GRCh37 (hg19) VCF-style: chr2-189871721-G-GTTTTGTCATT.
Identifiers: ClinVar variation 2775143 (VCV002775143.2), dbSNP rs2469159558, ClinGen allele CA2697551449.